The following is an entry in ClinVar:

ClinVar aggregate classification (germline): Uncertain significance. Review status: criteria provided, multiple submitters, no conflicts (2 of 4 stars). 3 submissions from 3 submitters: Uncertain significance (3). Last evaluated 2025-04-01.

Conditions:
Inborn genetic diseases. Identifiers: MedGen C0950123, MeSH D030342.
Epidermolysis bullosa, junctional 7, with interstitial lung disease and nephrotic syndrome. Also called: Interstitial Lung Disease with Nephrotic Syndrome and Epidermolysis Bullosa; Interstitial lung disease, nephrotic syndrome, and epidermolysis bullosa, congenital. Identifiers: Orphanet 306504, MedGen C4518785, MONDO:0013881, OMIM 614748.

gnomAD v4.1: 95 of 1,614,100 alleles (0.0059%); highest among the groups gnomAD compares: Non-Finnish European, 0.0074%; no homozygotes.

Submissions (3):

Ambry Genetics
Classification: Uncertain significance for Inborn genetic diseases. Last evaluated: 2025-04-01. Review status: criteria provided, single submitter. Criteria: Ambry Variant Classification Scheme 2023. Collection method: clinical testing. Allele origin: germline.

Fulgent Genetics
Classification: Uncertain significance for Epidermolysis bullosa, junctional 7, with interstitial lung disease and nephrotic syndrome. Last evaluated: 2024-02-05. Review status: criteria provided, single submitter. Criteria: ACMG Guidelines, 2015. Collection method: clinical testing. Allele origin: germline.

Labcorp Genetics (formerly Invitae), Labcorp
Classification: Uncertain significance. Last evaluated: 2021-09-24. Review status: criteria provided, single submitter. Criteria: Invitae Variant Classification Sherloc (09022015). Collection method: clinical testing. Allele origin: germline.
Comment: This sequence change replaces glycine with serine at codon 533 of the ITGA3 protein (p.Gly533Ser). The glycine residue is weakly conserved and there is a small physicochemical difference between glycine and serine. This variant is present in population databases (rs377600580, ExAC 0.01%). This variant has not been reported in the literature in individuals affected with ITGA3-related conditions. Algorithms developed to predict the effect of missense changes on protein structure and function output the following: SIFT: "Tolerated"; PolyPhen-2: "Benign"; Align-GVGD: "Class C0". The serine amino acid residue is found in multiple mammalian species, which suggests that this missense change does not adversely affect protein function. Algorithms developed to predict the effect of sequence changes on RNA splicing suggest that this variant may create or strengthen a splice site. In summary, the available evidence is currently insufficient to determine the role of this variant in disease. Therefore, it has been classified as a Variant of Uncertain Significance.

NM_002204.4(ITGA3):c.1597G>A (p.Gly533Ser)

Gene: ITGA3 (integrin subunit alpha 3; plus strand). Cytogenetic location: 17q21.33.
Variant type: single nucleotide variant.
Coding change: c.1597G>A on transcript NM_002204.4 (MANE Select); coding-DNA position 1597, G replaced by A.
Protein change: p.Gly533Ser; replaces glycine 533 with serine.
Molecular consequence: missense variant.
Genome position (GRCh38, 1-based): chr17:50,075,658, G>A. VCF-style: chr17-50075658-G-A. GRCh37 (hg19) VCF-style: chr17-48153022-G-A.
Other names: NM_005501.2:c.1597G>A; short protein forms G533S.
Identifiers: ClinVar variation 1347927 (VCV001347927.9), dbSNP rs377600580, ClinGen allele CA8641616.